The following is an entry in ClinVar:

NM_000899.5(KITLG):c.731T>G (p.Leu244Arg)

Gene: KITLG (KIT ligand; minus strand). Cytogenetic location: 12q21.32.
Variant type: single nucleotide variant.
Coding change: c.731T>G on transcript NM_000899.5 (MANE Select); coding-DNA position 731, T replaced by G.
Protein change: p.Leu244Arg; replaces leucine 244 with arginine.
Molecular consequence: missense variant.
Genome position (GRCh38, 1-based): chr12:88,506,362, A>C on the plus strand (T>G on the coding strand, the complement: KITLG is on the minus strand). VCF-style: chr12-88506362-A-C. GRCh37 (hg19) VCF-style: chr12-88900139-A-C.
Other names: c.647T>G, p.Leu216Arg (NM_003994.6); short protein forms L216R, L244R.
Identifiers: ClinVar variation 3897360 (VCV003897360.1).

ClinVar aggregate classification (germline): Uncertain significance (1 of 4 stars; one submission).

Submission:

GeneDx
Classification: Uncertain significance. Last evaluated: 2024-10-31. Review status: criteria provided, single submitter. Criteria: GeneDx Variant Classification Process June 2021. Collection method: clinical testing. Allele origin: germline. Affected: yes.
Comment: Not observed at significant frequency in large population cohorts (gnomAD); In silico analysis indicates that this missense variant does not alter protein structure/function; Has not been previously published as pathogenic or benign to our knowledge